The following is an entry in ClinVar:

NM_007294.4(BRCA1):c.5193+5G>T

Gene: BRCA1 (BRCA1 DNA repair associated; minus strand). Cytogenetic location: 17q21.31.
Variant type: single nucleotide variant.
Coding change: c.5193+5G>T on transcript NM_007294.4 (MANE Select); 5 bases into the intron after coding-DNA position 5193, G replaced by T.
Molecular consequence: intron variant.
Genome position (GRCh38, 1-based): chr17:43,063,328, C>A on the plus strand (G>T on the coding strand, the complement: BRCA1 is on the minus strand). VCF-style: chr17-43063328-C-A. GRCh37 (hg19) VCF-style: chr17-41215345-C-A.
Other names: c.1740+5G>T (NM_001408458.1, NM_001408461.1, NM_001408464.1 and 7 more transcripts); c.4302+5G>T (NM_001407967.1); c.4812+5G>T (NM_001407959.1); c.4926+5G>T (NM_001407931.1, NM_001407932.1, NM_001407928.1 and 4 more transcripts); c.5049+5G>T (NM_001407747.1, NM_001407745.1, NM_001407737.1 and 21 more transcripts); c.4809+5G>T (NM_001407962.1, NM_001407960.1); c.1380+5G>T (NM_001408512.1); c.1503+5G>T (NM_001408510.1); and 72 more.
Identifiers: ClinVar variation 865108 (VCV000865108.3), dbSNP rs2051852919, ClinGen allele CA916080035.

Conditions:
Breast-ovarian cancer, familial, susceptibility to, 1 (BROVCA1). Also called: BRCA1 Hereditary Breast and Ovarian Cancer; OVARIAN CANCER, SUSCEPTIBILITY TO. Identifiers: Orphanet 145, MedGen C2676676, MONDO:0011450, OMIM 604370. Disease mechanism: loss of function.

Submission:

Brotman Baty Institute, University of Washington
No classification provided (evidence only). Condition: Breast-ovarian cancer, familial 1. Review status: no classification provided. Collection method: in vitro. Allele origin: not applicable. Functional consequence: functionally_normal.
ClinVar note: "not provided" was previously submitted as the classification for the variant. However, the classification appeared to be based only on an observation of functional data so it was converted to no classification on 2025-07-30.